The following is an entry in ClinVar:

ClinVar aggregate classification (germline): Pathogenic/Likely pathogenic. Review status: criteria provided, multiple submitters, no conflicts (2 of 4 stars). 4 submissions from 4 submitters: Pathogenic (3); Likely pathogenic (1). Last evaluated 2025-09-01.

Conditions:
GRN-related disorder. Also called: GRN-related condition; GRN-related disorders.
Neuronal ceroid lipofuscinosis 11. Also called: GRN-Related Neuronal Ceroid-Lipofuscinosis. Identifiers: Orphanet 314629, Orphanet 79262, MedGen C3539123, MONDO:0013866, OMIM 614706.
GRN-related frontotemporal lobar degeneration with Tdp43 inclusions (FTD2). Also called: FRONTOTEMPORAL LOBAR DEGENERATION WITH UBIQUITIN-POSITIVE INCLUSIONS; FTLD-TDP, GRN-RELATED; FRONTOTEMPORAL DEMENTIA WITH TDP43 INCLUSIONS, GRN-RELATED; GRN Frontotemporal Dementia; DEMENTIA, HEREDITARY DYSPHASIC DISINHIBITION. Identifiers: Orphanet 100070, Orphanet 282, MedGen C1843792, MONDO:0011842, OMIM 607485. Disease mechanism: loss of function.

Allele frequency attached by ClinVar (database versions not stated): gnomAD 0.00001; TOPMed 0.00001.

Submissions (4):

CeGaT Center for Human Genetics Tuebingen
Classification: Pathogenic. Last evaluated: 2025-09-01. Review status: criteria provided, single submitter. Criteria: CeGaT Center For Human Genetics Tuebingen Variant Classification Criteria Version 2. Collection method: clinical testing. Allele origin: germline. Affected: yes. Observed: 1 variant allele.
Comment: GRN: PVS1, PM2

Labcorp Genetics (formerly Invitae), Labcorp
Classification: Pathogenic for Neuronal ceroid lipofuscinosis 11; GRN-related frontotemporal lobar degeneration with Tdp43 inclusions. Last evaluated: 2025-07-21. Review status: criteria provided, single submitter. Criteria: Invitae Variant Classification Sherloc (09022015). Collection method: clinical testing. Allele origin: germline.
Comment: This sequence change creates a premature translational stop signal (p.Gln337Argfs*30) in the GRN gene. It is expected to result in an absent or disrupted protein product. Loss-of-function variants in GRN are known to be pathogenic (PMID: 16862116, 16950801, 22608501). This variant is not present in population databases (gnomAD no frequency). This variant has not been reported in the literature in individuals affected with GRN-related conditions. ClinVar contains an entry for this variant (Variation ID: 805120). For these reasons, this variant has been classified as Pathogenic.

PreventionGenetics, part of Exact Sciences
Classification: Pathogenic for GRN-related condition. Last evaluated: 2024-12-14. Review status: criteria provided, single submitter. Criteria: ACMG Guidelines, 2015. Collection method: clinical testing. Allele origin: germline.
Comment: The GRN c.1010_1011delAG variant is predicted to result in a frameshift and premature protein termination (p.Gln337Argfs*30). To our knowledge, this variant has not been reported in the literature or in a large population database, indicating this variant is rare. Frameshift variants in GRN are expected to be pathogenic, and multiple overlapping or nearby early termination changes have been reported as causative. This variant is interpreted as pathogenic.

Athena Diagnostics
Classification: Likely pathogenic. Last evaluated: 2019-06-14. Review status: criteria provided, single submitter. Criteria: Athena Diagnostics Criteria. Collection method: clinical testing. Allele origin: germline.
Comment: The variant results in a shift of the reading frame, and is therefore predicted to result in the loss of a functional protein. Not found in the total gnomAD dataset, and the data is high quality (0/282716 chr).

Literature cited by the submitters: PubMed 16862116 (cited by Labcorp Genetics (formerly Invitae), Labcorp); PubMed 16950801 (cited by Labcorp Genetics (formerly Invitae), Labcorp); PubMed 22608501 (cited by Labcorp Genetics (formerly Invitae), Labcorp).

NM_002087.4(GRN):c.1010_1011del (p.Gln337fs)

Gene: GRN (granulin precursor; plus strand). Cytogenetic location: 17q21.31.
Variant type: Deletion.
Coding change: c.1010_1011del on transcript NM_002087.4 (MANE Select); coding-DNA positions 1010 to 1011, 2 bases deleted (AG; older notation c.1010_1011delAG).
Protein change: p.Gln337fs; shifts the reading frame from glutamine 337.
Molecular consequence: frameshift variant.
Genome position (GRCh38, 1-based): chr17:44,351,626-44,351,627, AG deleted. VCF-style (leftmost placement, unchanged base first): chr17-44351625-CAG-C. GRCh37 (hg19) VCF-style: chr17-42428993-CAG-C.
Other names: c.1010_1011delAG (NM_002087.3); short protein forms Q337fs.
Identifiers: ClinVar variation 805120 (VCV000805120.13), dbSNP rs1598364961, ClinGen allele CA915950151.